The following is an entry in ClinVar:

NM_001378454.1(ALMS1):c.11667A>G (p.Ala3889=)

Gene: ALMS1 (ALMS1 centrosome and basal body associated protein; plus strand). Cytogenetic location: 2p13.1.
Variant type: single nucleotide variant.
Coding change: c.11667A>G on transcript NM_001378454.1 (MANE Select); coding-DNA position 11667, A replaced by G.
Protein change: p.Ala3889=; no amino-acid change (alanine 3889 retained).
Molecular consequence: synonymous variant.
Genome position (GRCh38, 1-based): chr2:73,599,520, A>G. VCF-style: chr2-73599520-A-G. GRCh37 (hg19) VCF-style: chr2-73826647-A-G.
Other names: c.11670A>G, p.Ala3890= (NM_015120.4).
Identifiers: ClinVar variation 235602 (VCV000235602.10), dbSNP rs767848384, ClinGen allele CA1715268.

ClinVar aggregate classification (germline): Conflicting classifications of pathogenicity. Review status: criteria provided, conflicting classifications (1 of 4 stars). 5 submissions from 5 submitters: Uncertain significance (3); Likely benign (1). 1 of the submissions does not count toward it. Last evaluated 2025-12-26.

Conditions:
Alstrom syndrome (ALMS). Identifiers: Orphanet 64, MedGen C0268425, MONDO:0008763, OMIM 203800.
Cardiovascular phenotype. Identifiers: MedGen CN230736.

Allele frequency attached by ClinVar (database versions not stated): gnomAD exomes below 0.00001 and 0.00001; ExAC 0.00001.
gnomAD v4.1: 3 of 1,613,538 alleles (0.00019%); highest among the groups gnomAD compares: Non-Finnish European, 0.00025%; no homozygotes.

Submissions (5):

Ambry Genetics
Classification: Likely benign for Cardiovascular phenotype. Last evaluated: 2025-12-26. Review status: criteria provided, single submitter. Criteria: Ambry Variant Classification Scheme 2023. Collection method: clinical testing. Allele origin: germline.

Labcorp Genetics (formerly Invitae), Labcorp
Classification: Uncertain significance for Alstrom syndrome. Last evaluated: 2024-06-24. Review status: criteria provided, single submitter. Criteria: Invitae Variant Classification Sherloc (09022015). Collection method: clinical testing. Allele origin: germline.
Comment: This sequence change affects codon 3890 of the ALMS1 mRNA. It is a 'silent' change, meaning that it does not change the encoded amino acid sequence of the ALMS1 protein. It affects a nucleotide within the consensus splice site. This variant is present in population databases (rs767848384, gnomAD 0.0009%). This variant has not been reported in the literature in individuals affected with ALMS1-related conditions. ClinVar contains an entry for this variant (Variation ID: 235602). Algorithms developed to predict the effect of sequence changes on RNA splicing suggest that this variant is not likely to affect RNA splicing. In summary, the available evidence is currently insufficient to determine the role of this variant in disease. Therefore, it has been classified as a Variant of Uncertain Significance.

Fulgent Genetics
Classification: Uncertain significance for Alstrom syndrome. Last evaluated: 2022-03-23. Review status: criteria provided, single submitter. Criteria: ACMG Guidelines, 2015. Collection method: clinical testing. Allele origin: unknown.

Center for Pediatric Genomic Medicine, Children's Mercy Hospital and Clinics
Classification: Uncertain significance. Last evaluated: 2016-01-29. Review status: criteria provided, single submitter. Criteria: ACMG Guidelines, 2015. Collection method: clinical testing. Allele origin: germline.
ClinVar note: Converted during submission from Uncertain Significance to Uncertain significance.

Natera, Inc.
Classification: Uncertain significance for Alstrom syndrome. Last evaluated: 2021-05-27. Review status: no assertion criteria provided. Collection method: clinical testing. Allele origin: germline. Not counted in ClinVar's aggregate classification.